The following is an entry in ClinVar:

NM_004656.4(BAP1):c.1251-2A>G

Gene: BAP1 (BRCA1 associated deubiquitinase 1; minus strand). Cytogenetic location: 3p21.1.
Variant type: single nucleotide variant.
Coding change: c.1251-2A>G on transcript NM_004656.4 (MANE Select); the canonical splice acceptor site of the intron before coding-DNA position 1251, A replaced by G.
Molecular consequence: splice acceptor variant.
Genome position (GRCh38, 1-based): chr3:52,403,896, T>C on the plus strand (A>G on the coding strand, the complement: BAP1 is on the minus strand). VCF-style: chr3-52403896-T-C. GRCh37 (hg19) VCF-style: chr3-52437912-T-C.
Other names: c.1197-2A>G (NM_001410772.1).
Identifiers: ClinVar variation 1507419 (VCV001507419.8), dbSNP rs2153226773, ClinGen allele CA353102572.

ClinVar aggregate classification (germline): Likely pathogenic. Review status: criteria provided, multiple submitters, no conflicts (2 of 4 stars). 2 submissions from 2 submitters: Likely pathogenic (2). Last evaluated 2022-03-19.

Conditions:
Hereditary cancer-predisposing syndrome. Also called: Hereditary neoplastic syndrome; Neoplastic Syndromes, Hereditary; Tumor predisposition; Hereditary Cancer Syndrome. Identifiers: Orphanet 140162, MedGen C0027672, MeSH D009386, MONDO:0015356.
BAP1-related tumor predisposition syndrome (TPDS1). Also called: Tumor susceptibility linked to germline BAP1 mutations; TUMOR PREDISPOSITION SYNDROME 1; COMMON Syndrome; BAP1 tumor predisposition syndrome. Identifiers: Orphanet 289539, MedGen C3280492, MONDO:0013692, OMIM 614327.

Submissions (2):

Ambry Genetics
Classification: Likely pathogenic for Hereditary cancer-predisposing syndrome. Last evaluated: 2022-03-19. Review status: criteria provided, single submitter. Criteria: Ambry Variant Classification Scheme 2023. Collection method: clinical testing. Allele origin: germline.
Comment: The c.1251-2A>G intronic variant results from an A to G substitution two nucleotides upstream from coding exon 13 in the BAP1 gene. This nucleotide position is highly conserved in available vertebrate species. In silico splice site analysis predicts that this alteration will weaken the native splice acceptor site; however, direct evidence is insufficient at this time (Ambry internal data). This variant is considered to be rare based on population cohorts in the Genome Aggregation Database (gnomAD). Alterations that disrupt the canonical splice site are expected to cause aberrant splicing, resulting in an abnormal protein or a transcript that is subject to nonsense-mediated mRNA decay. As such, this alteration is classified as likely pathogenic.

Labcorp Genetics (formerly Invitae), Labcorp
Classification: Likely pathogenic for BAP1-related tumor predisposition syndrome. Last evaluated: 2021-10-24. Review status: criteria provided, single submitter. Criteria: Invitae Variant Classification Sherloc (09022015). Collection method: clinical testing. Allele origin: germline.
Comment: This variant is not present in population databases (gnomAD no frequency). In summary, the currently available evidence indicates that the variant is pathogenic, but additional data are needed to prove that conclusively. Therefore, this variant has been classified as Likely Pathogenic. Studies have shown that this variant is associated with altered splicing, but the impact on the resulting protein product is unknown (Invitae). This variant has not been reported in the literature in individuals affected with BAP1-related conditions. This sequence change affects an acceptor splice site in intron 12 of the BAP1 gene. It is expected to disrupt RNA splicing. Variants that disrupt the donor or acceptor splice site typically lead to a loss of protein function (PMID: 16199547), and loss-of-function variants in BAP1 are known to be pathogenic (PMID: 21874000, 23684012).

Literature cited by the submitters: PubMed 16199547 (cited by Labcorp Genetics (formerly Invitae), Labcorp); PubMed 21874000 (cited by Labcorp Genetics (formerly Invitae), Labcorp); PubMed 23684012 (cited by Labcorp Genetics (formerly Invitae), Labcorp).